The following is an entry in ClinVar:

ClinVar aggregate classification (germline): Uncertain significance (1 of 4 stars; one submission).

Submission:

Women's Health and Genetics/Laboratory Corporation of America, LabCorp
Classification: Uncertain significance. Last evaluated: 2024-09-19. Review status: criteria provided, single submitter. Criteria: LabCorp Variant Classification Summary - May 2015. Collection method: clinical testing. Allele origin: germline.
Comment: Variant summary: The variant involves the deletion of exons 22-23 in the WRN gene. A presumed nomenclature of c.(2630+1_2631-1)_(2825+1_2826-1)del has been designated for the purposes of this classification. This Copy Number Variant (CNV) is predicted to result in an in-frame deletion within this gene. The variant was absent in 21694 control chromosomes. The available data on variant occurrences in the general population are insufficient to allow any conclusion about variant significance. To our knowledge, no occurrence of c.(2630+1_2631-1)_(2825+1_2826-1)del in individuals affected with Werner Syndrome and no experimental evidence demonstrating its impact on protein function have been reported. ClinVar contains an entry for this variant (Variation ID: 1451023). Based on the evidence outlined above, the variant was classified as uncertain significance.

NC_000008.10:g.(30977941_30982037)_(30982517_30989880)del

Gene: WRN (WRN RecQ like helicase; plus strand). Cytogenetic location: 8p12.
Variant type: Deletion.
Identifiers: ClinVar variation 3375376 (VCV003375376.1).